The following is an entry in ClinVar:

NM_000059.4(BRCA2):c.2020G>T (p.Glu674Ter)

Gene: BRCA2 (BRCA2 DNA repair associated; plus strand). Cytogenetic location: 13q13.1.
Variant type: single nucleotide variant.
Coding change: c.2020G>T on transcript NM_000059.4 (MANE Select); coding-DNA position 2020, G replaced by T.
Protein change: p.Glu674Ter; replaces glutamic acid 674 with a stop codon.
Molecular consequence: nonsense.
Genome position (GRCh38, 1-based): chr13:32,336,375, G>T. VCF-style: chr13-32336375-G-T. GRCh37 (hg19) VCF-style: chr13-32910512-G-T.
Other names: short protein forms E674*.
Identifiers: ClinVar variation 850840 (VCV000850840.11), dbSNP rs879255439, ClinGen allele CA387768824.

ClinVar aggregate classification (germline): Pathogenic/Likely pathogenic. Review status: criteria provided, multiple submitters, no conflicts (2 of 4 stars). 3 submissions from 3 submitters: Pathogenic (2); Likely pathogenic (1). Last evaluated 2022-09-02.

Conditions:
Familial cancer of breast. Also called: BREAST CANCER, FAMILIAL; Hereditary breast cancer; hereditary breast carcinoma. Identifiers: Orphanet 227535, MedGen C0346153, MONDO:0016419, OMIM 114480. Disease mechanism: loss of function.
Hereditary breast ovarian cancer syndrome. Also called: Hereditary breast and ovarian cancer syndrome; Breast and ovarian cancer; Hereditary breast and/or ovarian cancer syndrome; Hereditary breast and ovarian cancer; BRCA1- and BRCA2-Associated Hereditary Breast and Ovarian Cancer; Hereditary breast and ovarian cancer syndrome (HBOC). Identifiers: Orphanet 145, MedGen C0677776, MeSH D061325, MONDO:0003582. Disease mechanism: loss of function.
Hereditary cancer-predisposing syndrome. Also called: Tumor predisposition; Neoplastic Syndromes, Hereditary; Hereditary neoplastic syndrome; Hereditary Cancer Syndrome. Identifiers: Orphanet 140162, MedGen C0027672, MeSH D009386, MONDO:0015356.

Submissions (3):

Labcorp Genetics (formerly Invitae), Labcorp
Classification: Pathogenic for Hereditary breast ovarian cancer syndrome. Last evaluated: 2022-09-02. Review status: criteria provided, single submitter. Criteria: Invitae Variant Classification Sherloc (09022015). Collection method: clinical testing. Allele origin: germline.
Comment: This sequence change creates a premature translational stop signal (p.Glu674*) in the BRCA2 gene. It is expected to result in an absent or disrupted protein product. Loss-of-function variants in BRCA2 are known to be pathogenic (PMID: 20104584). This variant is not present in population databases (gnomAD no frequency). This variant has not been reported in the literature in individuals affected with BRCA2-related conditions. ClinVar contains an entry for this variant (Variation ID: 850840). For these reasons, this variant has been classified as Pathogenic.

Baylor Genetics
Classification: Likely pathogenic for Familial cancer of breast. Last evaluated: 2022-05-23. Review status: criteria provided, single submitter. Criteria: ACMG Guidelines, 2015. Collection method: clinical testing. Allele origin: unknown.

Ambry Genetics
Classification: Pathogenic for Hereditary cancer-predisposing syndrome. Last evaluated: 2020-02-21. Review status: criteria provided, single submitter. Criteria: Ambry Variant Classification Scheme 2023. Collection method: clinical testing. Allele origin: germline.
Comment: The p.E674* pathogenic mutation (also known as c.2020G>T), located in coding exon 10 of the BRCA2 gene, results from a G to T substitution at nucleotide position 2020. This changes the amino acid from a glutamic acid to a stop codon within coding exon 10. This alteration is expected to result in loss of function by premature protein truncation or nonsense-mediated mRNA decay. As such, this alteration is interpreted as a disease-causing mutation.

Literature cited by the submitters: PubMed 20104584 (cited by Labcorp Genetics (formerly Invitae), Labcorp).